The following is an entry in ClinVar:

NM_000138.5(FBN1):c.5877T>A (p.Asn1959Lys)

Gene: FBN1 (fibrillin 1; minus strand). Cytogenetic location: 15q21.1.
Variant type: single nucleotide variant.
Coding change: c.5877T>A on transcript NM_000138.5 (MANE Select); coding-DNA position 5877, T replaced by A.
Protein change: p.Asn1959Lys; replaces asparagine 1959 with lysine.
Molecular consequence: missense variant.
Genome position (GRCh38, 1-based): chr15:48,445,416, A>T on the plus strand (T>A on the coding strand, the complement: FBN1 is on the minus strand). VCF-style: chr15-48445416-A-T. GRCh37 (hg19) VCF-style: chr15-48737613-A-T.
Other names: short protein forms N1959K.
Identifiers: ClinVar variation 519734 (VCV000519734.5), dbSNP rs1555395748, ClinGen allele CA392340007.

ClinVar aggregate classification (germline): Uncertain significance (1 of 4 stars; one submission).

Conditions:
Familial thoracic aortic aneurysm and aortic dissection (TAAD). Also called: Thoracic aortic aneurysms and dissections. Identifiers: Orphanet 91387, MedGen C4707243, MONDO:0019625.

Allele frequency attached by ClinVar (database versions not stated): gnomAD exomes below 0.00001.
gnomAD v4.1: 1 of 1,612,672 alleles (0.000062%); highest among the groups gnomAD compares: Non-Finnish European, 0.000085%; no homozygotes.

Submission:

Ambry Genetics
Classification: Uncertain significance for Familial thoracic aortic aneurysm and aortic dissection. Last evaluated: 2016-09-06. Review status: criteria provided, single submitter. Criteria: Ambry Variant Classification Scheme 2023. Collection method: clinical testing. Allele origin: germline.
Comment: The p.N1959K variant (also known as c.5877T>A), located in coding exon 47 of the FBN1 gene, results from a T to A substitution at nucleotide position 5877. The asparagine at codon 1959 is replaced by lysine, an amino acid with some similar properties, and is located in the cb EGF-like #29 domain. This variant was not reported in population based cohorts in the following databases: Database of Single Nucleotide Polymorphisms (dbSNP), Exome Aggregation Consortium (ExAC), NHLBI Exome Sequencing Project (ESP), and 1000 Genomes Project. In the ESP, this variant was not observed in 6494 samples (12988 alleles) with coverage at this position. This amino acid position is well conserved in available vertebrate species. In addition, this alteration is predicted to be tolerated by in silico analysis. Since supporting evidence is limited at this time, the clinical significance of this alteration remains unclear.